The following is an entry in ClinVar:

NM_001458.5(FLNC):c.7798G>A (p.Gly2600Ser)

Genes: FLNC (filamin C; plus strand), FLNC-AS1 (FLNC antisense RNA 1; minus strand). Cytogenetic location: 7q32.1.
Variant type: single nucleotide variant.
Coding change: c.7798G>A on transcript NM_001458.5 (MANE Select); coding-DNA position 7798, G replaced by A.
Protein change: p.Gly2600Ser; replaces glycine 2600 with serine.
Molecular consequence: missense variant.
Genome position (GRCh38, 1-based): chr7:128,858,025, G>A. VCF-style: chr7-128858025-G-A. GRCh37 (hg19) VCF-style: chr7-128498079-G-A.
Other names: c.7699G>A, p.Gly2567Ser (NM_001127487.2); short protein forms G2567S, G2600S.
Identifiers: ClinVar variation 2945850 (VCV002945850.3), dbSNP rs2536672818, ClinGen allele CA369220030.

ClinVar aggregate classification (germline): Uncertain significance (1 of 4 stars; one submission).

Conditions:
Myofibrillar myopathy 5. Also called: Filaminopathy (type); FILAMINOPATHY, AUTOSOMAL DOMINANT. Identifiers: Orphanet 171445, MedGen C1836050, MONDO:0012289, OMIM 609524.
Hypertrophic cardiomyopathy 26. Also called: Cardiomyopathy, familial hypertrophic, 26. Identifiers: Orphanet 75249, MedGen C4310749, MONDO:0014883, OMIM 617047.
Distal myopathy with posterior leg and anterior hand involvement. Also called: WILLIAMS DISTAL MYOPATHY. Identifiers: Orphanet 63273, MedGen C3279722, MONDO:0013550, OMIM 614065.

Submission:

Labcorp Genetics (formerly Invitae), Labcorp
Classification: Uncertain significance for Distal myopathy with posterior leg and anterior hand involvement; Myofibrillar myopathy 5; Hypertrophic cardiomyopathy 26. Last evaluated: 2023-10-13. Review status: criteria provided, single submitter. Criteria: Invitae Variant Classification Sherloc (09022015). Collection method: clinical testing. Allele origin: germline.
Comment: This sequence change replaces glycine, which is neutral and non-polar, with serine, which is neutral and polar, at codon 2600 of the FLNC protein (p.Gly2600Ser). This variant is not present in population databases (gnomAD no frequency). This variant has not been reported in the literature in individuals affected with FLNC-related conditions. An algorithm developed to predict the effect of missense changes on protein structure and function (PolyPhen-2) suggests that this variant is likely to be disruptive. In summary, the available evidence is currently insufficient to determine the role of this variant in disease. Therefore, it has been classified as a Variant of Uncertain Significance.